The following is an entry in ClinVar:

NM_002470.4(MYH3):c.3047A>G (p.Asp1016Gly)

Gene: MYH3 (myosin heavy chain 3; minus strand). Cytogenetic location: 17p13.1.
Variant type: single nucleotide variant.
Coding change: c.3047A>G on transcript NM_002470.4 (MANE Select); coding-DNA position 3047, A replaced by G.
Protein change: p.Asp1016Gly; replaces aspartic acid 1016 with glycine.
Molecular consequence: missense variant.
Genome position (GRCh38, 1-based): chr17:10,639,353, T>C on the plus strand (A>G on the coding strand, the complement: MYH3 is on the minus strand). VCF-style: chr17-10639353-T-C. GRCh37 (hg19) VCF-style: chr17-10542670-T-C.
Other names: short protein forms D1016G.
Identifiers: ClinVar variation 4779083 (VCV004779083.1).

ClinVar aggregate classification (germline): Uncertain significance (1 of 4 stars; one submission).

gnomAD v4.1: 1 of 1,614,224 alleles (0.000062%); highest among the groups gnomAD compares: South Asian, 0.0011%; no homozygotes.

Submission:

Labcorp Genetics (formerly Invitae), Labcorp
Classification: Uncertain significance. Last evaluated: 2025-02-23. Review status: criteria provided, single submitter. Criteria: Invitae Variant Classification Sherloc (09022015). Collection method: clinical testing. Allele origin: germline.
Comment: This sequence change replaces aspartic acid, which is acidic and polar, with glycine, which is neutral and non-polar, at codon 1016 of the MYH3 protein (p.Asp1016Gly). This variant is not present in population databases (gnomAD no frequency). This variant has not been reported in the literature in individuals affected with MYH3-related conditions. Invitae Evidence Modeling of protein sequence and biophysical properties (such as structural, functional, and spatial information, amino acid conservation, physicochemical variation, residue mobility, and thermodynamic stability) has been performed for this missense variant. However, the output from this modeling did not meet the statistical confidence thresholds required to predict the impact of this variant on MYH3 protein function. In summary, the available evidence is currently insufficient to determine the role of this variant in disease. Therefore, it has been classified as a Variant of Uncertain Significance.